The following is an entry in ClinVar:

ClinVar aggregate classification (germline): Uncertain significance (1 of 4 stars; one submission).

Conditions:
Cardiomyopathy (CMYO). Also called: Cardiomyopathies. Identifiers: Orphanet 167848, MedGen C0878544, MONDO:0004994, HP:0001638. Inheritance: Various modes of inheritance.

Submission:

Color Diagnostics, LLC DBA Color Health
Classification: Uncertain significance for Cardiomyopathy. Last evaluated: 2025-07-02. Review status: criteria provided, single submitter. Criteria: ACMG Guidelines, 2015. Collection method: clinical testing. Allele origin: germline.
Comment: This variant deletes two nucleotides and inserts two nucleotides in intron 6 of the RYR2 gene. To our knowledge, functional studies have not been reported for this variant. This variant has not been reported in individuals affected with RYR2-related disorders in the literature. This variant has not been identified in the general population by the Genome Aggregation Database (gnomAD). The available evidence is insufficient to determine the role of this variant in disease conclusively. Therefore, this variant is classified as a Variant of Uncertain Significance.

NM_001035.3(RYR2):c.384+3_384+4delinsAC

Gene: RYR2 (ryanodine receptor 2; plus strand). Cytogenetic location: 1q43.
Variant type: Indel.
Coding change: c.384+3_384+4delinsAC on transcript NM_001035.3 (MANE Select); bases 3 to 4 of the intron after coding-DNA position 384, GA replaced by AC.
Molecular consequence: intron variant.
Genome position (GRCh38, 1-based): chr1:237,369,611-237,369,612, GA replaced by AC. VCF-style: chr1-237369611-GA-AC. GRCh37 (hg19) VCF-style: chr1-237532911-GA-AC.
Identifiers: ClinVar variation 4757554 (VCV004757554.1).